The following is an entry in ClinVar:

ClinVar aggregate classification (germline): Uncertain significance (1 of 4 stars; one submission).

Conditions:
Bloom syndrome (BLM). Also called: Bloom-Torre-Machacek syndrome. Identifiers: Orphanet 125, MedGen C0005859, MONDO:0008876, OMIM 210900.

Submission:

Labcorp Genetics (formerly Invitae), Labcorp
Classification: Uncertain significance for Bloom syndrome. Last evaluated: 2023-11-24. Review status: criteria provided, single submitter. Criteria: Invitae Variant Classification Sherloc (09022015). Collection method: clinical testing. Allele origin: germline.
Comment: This sequence change replaces glutamic acid, which is acidic and polar, with glutamine, which is neutral and polar, at codon 1017 of the BLM protein (p.Glu1017Gln). This variant is not present in population databases (gnomAD no frequency). This variant has not been reported in the literature in individuals affected with BLM-related conditions. Advanced modeling of protein sequence and biophysical properties (such as structural, functional, and spatial information, amino acid conservation, physicochemical variation, residue mobility, and thermodynamic stability) performed at Invitae indicates that this missense variant is not expected to disrupt BLM protein function with a negative predictive value of 80%. In summary, the available evidence is currently insufficient to determine the role of this variant in disease. Therefore, it has been classified as a Variant of Uncertain Significance.

NM_000057.4(BLM):c.3049G>C (p.Glu1017Gln)

Gene: BLM (BLM RecQ like helicase; plus strand). Cytogenetic location: 15q26.1.
Variant type: single nucleotide variant.
Coding change: c.3049G>C on transcript NM_000057.4 (MANE Select); coding-DNA position 3049, G replaced by C.
Protein change: p.Glu1017Gln; replaces glutamic acid 1017 with glutamine.
Molecular consequence: missense variant.
Genome position (GRCh38, 1-based): chr15:90,794,196, G>C. VCF-style: chr15-90794196-G-C. GRCh37 (hg19) VCF-style: chr15-91337426-G-C.
Other names: c.3049G>C, p.Glu1017Gln (NM_001287246.2, NM_001287247.2); c.1924G>C, p.Glu642Gln (NM_001287248.2); short protein forms E1017Q, E642Q.
Identifiers: ClinVar variation 2698760 (VCV002698760.3), dbSNP rs2505524660, ClinGen allele CA393846713.